The following is an entry in ClinVar:

ClinVar aggregate classification (germline): Pathogenic. Review status: criteria provided, multiple submitters, no conflicts (2 of 4 stars). 4 submissions from 4 submitters: Pathogenic (2). 2 of the submissions do not count toward it. Last evaluated 2025-11-28.

Conditions:
Epidermolysis bullosa simplex 1A, generalized severe (EBS1A). Also called: Epidermolysis bullosa simplex Dowling-Meara type. Identifiers: Orphanet 79396, MedGen C0079295, MONDO:0007550, OMIM 131760.
KRT5-related disorder. Also called: KRT5-related condition.

Submissions (4):

Labcorp Genetics (formerly Invitae), Labcorp
Classification: Pathogenic. Last evaluated: 2025-11-28. Review status: criteria provided, single submitter. Criteria: Invitae Variant Classification Sherloc (09022015). Collection method: clinical testing. Allele origin: germline.
Comment: This sequence change replaces serine, which is neutral and polar, with proline, which is neutral and non-polar, at codon 181 of the KRT5 protein (p.Ser181Pro). This variant is not present in population databases (gnomAD no frequency). This missense change has been observed in individual(s) with epidermolysis bullosa (PMID: 10730767, 36287101). In at least one individual the variant was observed to be de novo. ClinVar contains an entry for this variant (Variation ID: 14650). Invitae Evidence Modeling of protein sequence and biophysical properties (such as structural, functional, and spatial information, amino acid conservation, physicochemical variation, residue mobility, and thermodynamic stability) has been performed for this missense variant. However, the output from this modeling did not meet the statistical confidence thresholds required to predict the impact of this variant on KRT5 protein function. For these reasons, this variant has been classified as Pathogenic.

Blueprint Genetics
Classification: Pathogenic for KRT5-related disorders. Last evaluated: 2023-07-19. Review status: criteria provided, single submitter. Criteria: ACMG Guidelines, 2015. Collection method: clinical testing. Allele origin: germline. Affected: yes. Observed: 1 variant allele.

OMIM
Classification: Pathogenic for EPIDERMOLYSIS BULLOSA SIMPLEX, DOWLING-MEARA TYPE. Last evaluated: 2000-02-01. Review status: no assertion criteria provided. Collection method: literature only. Allele origin: germline. Not counted in ClinVar's aggregate classification.

Epithelial Biology;  Institute of Medical Biology, Singapore
No classification provided. Review status: no classification provided. Collection method: not provided. Allele origin: not provided. Not counted in ClinVar's aggregate classification.

Literature cited by the submitters: PubMed 10730767 (cited by Labcorp Genetics (formerly Invitae), Labcorp and OMIM); PubMed 36287101 (cited by Labcorp Genetics (formerly Invitae), Labcorp).

NM_000424.4(KRT5):c.541T>C (p.Ser181Pro)

Gene: KRT5 (keratin 5; minus strand). Cytogenetic location: 12q13.13.
Variant type: single nucleotide variant.
Coding change: c.541T>C on transcript NM_000424.4 (MANE Select); coding-DNA position 541, T replaced by C.
Protein change: p.Ser181Pro; replaces serine 181 with proline.
Molecular consequence: missense variant.
Genome position (GRCh38, 1-based): chr12:52,519,756, A>G on the plus strand (T>C on the coding strand, the complement: KRT5 is on the minus strand). VCF-style: chr12-52519756-A-G. GRCh37 (hg19) VCF-style: chr12-52913540-A-G.
Other names: short protein forms S181P.
Identifiers: ClinVar variation 14650 (VCV000014650.3), dbSNP rs60715293, ClinGen allele CA216749.